The following is an entry in ClinVar:

NM_172245.4(CSF2RA):c.1045T>C (p.Phe349Leu)

Gene: CSF2RA (colony stimulating factor 2 receptor subunit alpha; plus strand). Cytogenetic location: Xp22.33.
Variant type: single nucleotide variant.
Coding change: c.1045T>C on transcript NM_172245.4 (MANE Select); coding-DNA position 1045, T replaced by C.
Protein change: p.Phe349Leu; replaces phenylalanine 349 with leucine.
Molecular consequence: missense variant. On other transcripts: synonymous variant (5), non-coding transcript variant (1), intron variant (1).
Genome position (GRCh38, 1-based): chrX:1,305,447, T>C. VCF-style: chrX-1305447-T-C. GRCh37 (hg19) VCF-style: chrX-1424340-T-C.
Other names: c.1045T>C, p.Phe349Leu (NM_001161529.2, NM_001161531.2, NM_001379155.1 and 9 more transcripts); c.1147T>C, p.Phe383Leu (NM_001161530.2, NM_001379153.1, NM_001379154.1); c.646T>C, p.Phe216Leu (NM_001161532.2); c.1015T>C, p.Phe339Leu (NM_001379160.1); c.856T>C, p.Phe286Leu (NM_001379166.1); c.948T>C, p.Gly316= (NM_001379167.1, NM_001379168.1, NM_001379169.1 and 1 more transcripts); c.648T>C, p.Gly216= (NM_172249.4); c.947-3955T>C (NM_172246.4); short protein forms F216L, F383L, F286L, F339L, F349L.
Identifiers: ClinVar variation 1352646 (VCV001352646.5), dbSNP rs1261417012, ClinGen allele CA412236981.

ClinVar aggregate classification (germline): Uncertain significance (1 of 4 stars; one submission).

Conditions:
Surfactant metabolism dysfunction, pulmonary, 4 (SMDP4). Also called: CSF2RA DEFICIENCY; PAP DUE TO CSF2RA DEFICIENCY; PULMONARY ALVEOLAR PROTEINOSIS, CONGENITAL, 4. Identifiers: Orphanet 264675, MedGen C2677877, MONDO:0010424, OMIM 300770.

Allele frequency attached by ClinVar (database versions not stated): gnomAD 0.00001; gnomAD exomes 0.00001; TOPMed 0.00002.
gnomAD v4.1: 20 of 1,613,834 alleles (0.0012%); highest among the groups gnomAD compares: Non-Finnish European, 0.0016%; no homozygotes.

Submission:

Labcorp Genetics (formerly Invitae), Labcorp
Classification: Uncertain significance for Surfactant metabolism dysfunction, pulmonary, 4. Last evaluated: 2021-08-13. Review status: criteria provided, single submitter. Criteria: Invitae Variant Classification Sherloc (09022015). Collection method: clinical testing. Allele origin: germline.
Comment: This sequence change replaces phenylalanine with leucine at codon 349 of the CSF2RA protein (p.Phe349Leu). The phenylalanine residue is moderately conserved and there is a small physicochemical difference between phenylalanine and leucine. This variant is not present in population databases (ExAC no frequency). This variant has not been reported in the literature in individuals affected with CSF2RA-related conditions. Algorithms developed to predict the effect of missense changes on protein structure and function (SIFT, PolyPhen-2, Align-GVGD) all suggest that this variant is likely to be tolerated. In summary, the available evidence is currently insufficient to determine the role of this variant in disease. Therefore, it has been classified as a Variant of Uncertain Significance.